The following is an entry in ClinVar:

NM_001374736.1(DST):c.13736C>T (p.Thr4579Ile)

Gene: DST (dystonin; minus strand). Cytogenetic location: 6p12.1.
Variant type: single nucleotide variant.
Coding change: c.13736C>T on transcript NM_001374736.1 (MANE Select); coding-DNA position 13736, C replaced by T.
Protein change: p.Thr4579Ile; replaces threonine 4579 with isoleucine.
Molecular consequence: missense variant.
Genome position (GRCh38, 1-based): chr6:56,569,998, G>A on the plus strand (C>T on the coding strand, the complement: DST is on the minus strand). VCF-style: chr6-56569998-G-A. GRCh37 (hg19) VCF-style: chr6-56434796-G-A.
Other names: c.7379C>T, p.Thr2460Ile (NM_001144769.5); c.6965C>T, p.Thr2322Ile (NM_001144770.2); c.13736C>T, p.Thr4579Ile (NM_001374722.1); c.13103C>T, p.Thr4368Ile (NM_001374729.1); c.6845C>T, p.Thr2282Ile (NM_001374730.1, NM_183380.4); c.13763C>T, p.Thr4588Ile (NM_001374734.1); c.5867C>T, p.Thr1956Ile (NM_015548.5); short protein forms T1956I, T2322I, T4588I, T2460I, T4579I, T4368I, T2282I.
Identifiers: ClinVar variation 967002 (VCV000967002.10), dbSNP rs2097756144, ClinGen allele CA364525665.

ClinVar aggregate classification (germline): Uncertain significance (1 of 4 stars; one submission).

Conditions:
Hereditary sensory and autonomic neuropathy type 6. Also called: Neuropathy, hereditary sensory and autonomic, type VI; HSAN VI. Identifiers: Orphanet 314381, MedGen C3539003, MONDO:0013839, OMIM 614653.
Epidermolysis bullosa simplex 3, localized or generalized intermediate, with BP230 deficiency (EBS3). Also called: Epidermolysis bullosa simplex, autosomal recessive 2; Epidermolysis bullosa simplex due to BP230 deficiency. Identifiers: Orphanet 412181, MedGen C3809470, MONDO:0014180, OMIM 615425.

Submission:

Labcorp Genetics (formerly Invitae), Labcorp
Classification: Uncertain significance for Epidermolysis bullosa simplex 3, localized or generalized intermediate, with BP230 deficiency; Hereditary sensory and autonomic neuropathy type 6. Last evaluated: 2022-05-05. Review status: criteria provided, single submitter. Criteria: Invitae Variant Classification Sherloc (09022015). Collection method: clinical testing. Allele origin: germline.
Comment: This variant is not present in population databases (gnomAD no frequency). The DST gene has multiple clinically relevant transcripts. This variant occurs in alternate transcript NM_015548.4, and corresponds to NM_001723.5:c.*45519C>T in the primary transcript. This sequence change replaces threonine, which is neutral and polar, with isoleucine, which is neutral and non-polar, at codon 1956 of the DST protein (p.Thr1956Ile). This variant has not been reported in the literature in individuals affected with DST-related conditions. Experimental studies and prediction algorithms are not available or were not evaluated, and the functional significance of this variant is currently unknown. In summary, the available evidence is currently insufficient to determine the role of this variant in disease. Therefore, it has been classified as a Variant of Uncertain Significance.